The following is an entry in ClinVar:

NM_006516.4(SLC2A1):c.972+1G>C

Gene: SLC2A1 (solute carrier family 2 member 1; minus strand). Cytogenetic location: 1p34.2.
Variant type: single nucleotide variant.
Coding change: c.972+1G>C on transcript NM_006516.4 (MANE Select); the canonical splice donor site of the intron after coding-DNA position 972, G replaced by C.
Molecular consequence: splice donor variant.
Genome position (GRCh38, 1-based): chr1:42,929,209, C>G on the plus strand (G>C on the coding strand, the complement: SLC2A1 is on the minus strand). VCF-style: chr1-42929209-C-G. GRCh37 (hg19) VCF-style: chr1-43394880-C-G.
Identifiers: ClinVar variation 1073489 (VCV001073489.7), dbSNP rs80359843, ClinGen allele CA21250514.

ClinVar aggregate classification (germline): Pathogenic (1 of 4 stars; one submission).

Conditions:
GLUT1 deficiency syndrome 1, autosomal recessive. Identifiers: MedGen C3149117.

Submission:

Labcorp Genetics (formerly Invitae), Labcorp
Classification: Pathogenic for GLUT1 deficiency syndrome 1, autosomal recessive. Last evaluated: 2022-03-03. Review status: criteria provided, single submitter. Criteria: Invitae Variant Classification Sherloc (09022015). Collection method: clinical testing. Allele origin: germline.
Comment: For these reasons, this variant has been classified as Pathogenic. Algorithms developed to predict the effect of sequence changes on RNA splicing suggest that this variant may disrupt the consensus splice site. ClinVar contains an entry for this variant (Variation ID: 1073489). Disruption of this splice site has been observed in individual(s) with GLUT1 deficiency syndrome, epilepsy and/or neurodevelopmental disorders (PMID: 10980529, 29655203, 29778030). This variant is not present in population databases (gnomAD no frequency). This sequence change affects a donor splice site in intron 7 of the SLC2A1 gene. It is expected to disrupt RNA splicing. Variants that disrupt the donor or acceptor splice site typically lead to a loss of protein function (PMID: 16199547), and loss-of-function variants in SLC2A1 are known to be pathogenic (PMID: 21832227, 26193382).

Literature cited by the submitters: PubMed 10980529; PubMed 29655203; PubMed 29778030; PubMed 16199547; PubMed 21832227; PubMed 26193382.